The following is an entry in ClinVar:

NM_000155.4(GALT):c.428C>T (p.Ser143Leu)

Gene: GALT (galactose-1-phosphate uridylyltransferase; plus strand). Cytogenetic location: 9p13.3.
Variant type: single nucleotide variant.
Coding change: c.428C>T on transcript NM_000155.4 (MANE Select); coding-DNA position 428, C replaced by T.
Protein change: p.Ser143Leu; replaces serine 143 with leucine.
Molecular consequence: missense variant.
Genome position (GRCh38, 1-based): chr9:34,647,882, C>T. VCF-style: chr9-34647882-C-T. GRCh37 (hg19) VCF-style: chr9-34647879-C-T.
Other names: c.101C>T, p.Ser34Leu (NM_001258332.2); c.428C>T (NM_000155.2); short protein forms S143L, S34L.
Identifiers: ClinVar variation 37358 (VCV000037358.27), dbSNP rs111033697, ClinGen allele CA259391.

ClinVar aggregate classification (germline): Pathogenic/Likely pathogenic. Review status: criteria provided, multiple submitters, no conflicts (2 of 4 stars). 6 submissions from 6 submitters: Pathogenic (1); Likely pathogenic (5). Last evaluated 2026-03-23.

Conditions:
Galactosemia. Also called: Galactose intolerance. Identifiers: Orphanet 352, MedGen C0016952, MONDO:0018116, HP:0004919. Disease mechanism: loss of function.
Deficiency of UDPglucose-hexose-1-phosphate uridylyltransferase. Also called: GALACTOSEMIA I; GALT deficiency; Galactosemia, classic; GALACTOSE-1-PHOSPHATE URIDYLYLTRANSFERASE DEFICIENCY; Transferase Deficiency Galactosemia. Identifiers: Orphanet 352, Orphanet 79239, MedGen C0268151, MONDO:0009258, OMIM 230400.

Allele frequency attached by ClinVar (database versions not stated): gnomAD below 0.00001 and 0.00001; ExAC 0.00001; gnomAD exomes 0.00001; TOPMed 0.00001; ESP Exome Variant Server 0.00008.

Submissions (6):

GeneDx
Classification: Likely pathogenic. Last evaluated: 2026-03-23. Review status: criteria provided, single submitter. Criteria: GeneDx Variant Classification Process June 2021. Collection method: clinical testing. Allele origin: germline.
Comment: Not observed at significant frequency in large population cohorts (gnomAD); In silico analysis supports that this missense variant has a deleterious effect on protein structure/function; This variant is associated with the following publications: (PMID: 9222760, 30275481, 22944367, 25087612, 20008339, 25622686, 40421404)

Labcorp Genetics (formerly Invitae), Labcorp
Classification: Pathogenic for Deficiency of UDPglucose-hexose-1-phosphate uridylyltransferase. Last evaluated: 2025-11-11. Review status: criteria provided, single submitter. Criteria: Invitae Variant Classification Sherloc (09022015). Collection method: clinical testing. Allele origin: germline.
Comment: This sequence change replaces serine, which is neutral and polar, with leucine, which is neutral and non-polar, at codon 143 of the GALT protein (p.Ser143Leu). This variant is present in population databases (rs111033697, gnomAD 0.003%). This missense change has been observed in individual(s) with galactosemia (PMID: 9222760, 22944367; internal data). In at least one individual the data is consistent with being in trans (on the opposite chromosome) from a pathogenic variant. ClinVar contains an entry for this variant (Variation ID: 37358). Invitae Evidence Modeling of protein sequence and biophysical properties (such as structural, functional, and spatial information, amino acid conservation, physicochemical variation, residue mobility, and thermodynamic stability) indicates that this missense variant is expected to disrupt GALT protein function with a positive predictive value of 80%. For these reasons, this variant has been classified as Pathogenic.

Natera, Inc.
Classification: Likely pathogenic for Galactosemia. Last evaluated: 2025-11-10. Review status: criteria provided, single submitter. Criteria: Natera Variant Classification Schema (03/2026). Collection method: clinical testing. Allele origin: germline.
Comment: The c.428C>T variant in GALT is a missense variant predicted to cause substitution of serine to leucine at amino acid 143. This variant is rare in the general population with a frequency below the threshold expected for the associated phenotype(s). This variant has been observed in one or more individuals affected with the associated recessive disease, as either homozygous or compound heterozygous with a second variant (PMID: 22944367, 37776278, 9222760). Computational prediction algorithms indicate this variant is likely to affect gene or protein function. Given the available evidence, this variant is classified as Likely Pathogenic.

CeGaT Center for Human Genetics Tuebingen
Classification: Likely pathogenic. Last evaluated: 2025-05-01. Review status: criteria provided, single submitter. Criteria: CeGaT Center For Human Genetics Tuebingen Variant Classification Criteria Version 2. Collection method: clinical testing. Allele origin: germline. Affected: yes. Observed: 1 variant allele.
Comment: GALT: PM2, PM3, PM5

Baylor Genetics
Classification: Likely pathogenic for Deficiency of UDPglucose-hexose-1-phosphate uridylyltransferase. Last evaluated: 2023-11-11. Review status: criteria provided, single submitter. Criteria: ACMG Guidelines, 2015. Collection method: clinical testing. Allele origin: unknown.

Mayo Clinic Laboratories, Mayo Clinic
Classification: Likely pathogenic. Last evaluated: 2022-12-21. Review status: criteria provided, single submitter. Criteria: ACMG Guidelines, 2015. Collection method: clinical testing. Allele origin: germline. Observed: 1 variant allele.
Comment: PP3, PP4, PM2, PM3, PS4_moderate

Literature cited by the submitters: PubMed 9222760 (cited by 3 submitters); PubMed 22944367 (cited by 3 submitters); PubMed 37776278 (cited by Natera, Inc.); PubMed 11261429 (cited by Mayo Clinic Laboratories, Mayo Clinic); PubMed 11919338 (cited by Mayo Clinic Laboratories, Mayo Clinic); PubMed 20008339 (cited by Mayo Clinic Laboratories, Mayo Clinic); PubMed 25087612 (cited by Mayo Clinic Laboratories, Mayo Clinic); PubMed 25622686 (cited by Mayo Clinic Laboratories, Mayo Clinic); PubMed 30275481 (cited by Mayo Clinic Laboratories, Mayo Clinic).